The following is an entry in ClinVar:

ClinVar aggregate classification (germline): Pathogenic (1 of 4 stars; one submission).

Conditions:
Familial cancer of breast. Also called: BREAST CANCER, FAMILIAL; Hereditary breast cancer; hereditary breast carcinoma. Identifiers: Orphanet 227535, MedGen C0346153, MONDO:0016419, OMIM 114480. Disease mechanism: loss of function.

Submission:

Labcorp Genetics (formerly Invitae), Labcorp
Classification: Pathogenic for Familial cancer of breast. Last evaluated: 2026-01-25. Review status: criteria provided, single submitter. Criteria: Invitae Variant Classification Sherloc (09022015). Collection method: clinical testing. Allele origin: germline.
Comment: This sequence change creates a premature translational stop signal (p.Lys957*) in the PALB2 gene. It is expected to result in an absent or disrupted protein product. Loss-of-function variants in PALB2 are known to be pathogenic (PMID: 17200668, 17200671, 17200672, 24136930, 25099575). This variant is not present in population databases (gnomAD no frequency). This premature translational stop signal has been observed in individual(s) with breast cancer (PMID: 28724667). ClinVar contains an entry for this variant (Variation ID: 530052). For these reasons, this variant has been classified as Pathogenic.

Literature cited by the submitters: PubMed 17200668; PubMed 17200671; PubMed 17200672; PubMed 24136930; PubMed 25099575; PubMed 28724667.

NM_024675.4(PALB2):c.2869A>T (p.Lys957Ter)

Gene: PALB2 (partner and localizer of BRCA2; minus strand). Cytogenetic location: 16p12.2.
Variant type: single nucleotide variant.
Coding change: c.2869A>T on transcript NM_024675.4 (MANE Select); coding-DNA position 2869, A replaced by T.
Protein change: p.Lys957Ter; replaces lysine 957 with a stop codon.
Molecular consequence: nonsense.
Genome position (GRCh38, 1-based): chr16:23,623,096, T>A on the plus strand (A>T on the coding strand, the complement: PALB2 is on the minus strand). VCF-style: chr16-23623096-T-A. GRCh37 (hg19) VCF-style: chr16-23634417-T-A.
Other names: short protein forms K957*.
Identifiers: ClinVar variation 530052 (VCV000530052.10), dbSNP rs515726103, ClinGen allele CA395144397.